The following is an entry in ClinVar:

ClinVar aggregate classification (germline): Pathogenic/Likely pathogenic. Review status: criteria provided, multiple submitters, no conflicts (2 of 4 stars). 3 submissions from 3 submitters: Pathogenic (1); Likely pathogenic (2). Last evaluated 2025-08-19.

Conditions:
USH2A-related disorder. Also called: USH2A-related disorders; USH2A-related condition. Identifiers: MedGen CN239332.
Autosomal recessive USH2A-related disorders.

Submissions (3):

Variantyx, Inc.
Classification: Likely pathogenic for Autosomal recessive USH2A-related disorders. Last evaluated: 2025-08-19. Review status: criteria provided, single submitter. Criteria: Variantyx Assertion Criteria 2022. Collection method: clinical testing. Allele origin: germline. Inheritance: Autosomal recessive inheritance.
Comment: This is a frameshift variant in the USH2A gene (OMIM: 608400). Pathogenic variants in this gene have been associated with autosomal recessive USH2A-related disorders. This variant introduces a premature termination codon in exon 10 out of 72 and is expected to result in loss of function, which is a known disease mechanism for USH2A in this disorder (PMID: 25649381) (PVS1). This variant is absent from control populations (PM2). Based on the current evidence, this variant is classified as likely pathogenic for autosomal recessive USH2A-related disorders.

Blueprint Genetics
Classification: Likely pathogenic for USH2A-related disorders. Last evaluated: 2024-06-13. Review status: criteria provided, single submitter. Criteria: ACMG Guidelines, 2015. Collection method: clinical testing. Allele origin: germline. Affected: yes. Observed: 4 variant alleles.

Labcorp Genetics (formerly Invitae), Labcorp
Classification: Pathogenic. Last evaluated: 2023-06-16. Review status: criteria provided, single submitter. Criteria: Invitae Variant Classification Sherloc (09022015). Collection method: clinical testing. Allele origin: germline.
Comment: ClinVar contains an entry for this variant (Variation ID: 1075936). For these reasons, this variant has been classified as Pathogenic. This premature translational stop signal has been observed in individual(s) with clinical features of Usher syndrome type 2 (PMID: 18273898). This variant is not present in population databases (gnomAD no frequency). This sequence change creates a premature translational stop signal (p.Gly614Tyrfs*6) in the USH2A gene. It is expected to result in an absent or disrupted protein product. Loss-of-function variants in USH2A are known to be pathogenic (PMID: 10729113, 10909849, 20507924, 25649381).

Literature cited by the submitters: PubMed 25649381 (cited by Variantyx, Inc. and Labcorp Genetics (formerly Invitae), Labcorp); PubMed 18273898 (cited by Labcorp Genetics (formerly Invitae), Labcorp); PubMed 10729113 (cited by Labcorp Genetics (formerly Invitae), Labcorp); PubMed 10909849 (cited by Labcorp Genetics (formerly Invitae), Labcorp); PubMed 20507924 (cited by Labcorp Genetics (formerly Invitae), Labcorp).

NM_206933.4(USH2A):c.1836_1839dup (p.Gly614fs)

Gene: USH2A (usherin; minus strand). Cytogenetic location: 1q41.
Variant type: Duplication.
Coding change: c.1836_1839dup on transcript NM_206933.4 (MANE Select); coding-DNA positions 1836 to 1839, 4 bases duplicated (TACA; older notation c.1836_1839dupTACA).
Protein change: p.Gly614fs; shifts the reading frame from glycine 614.
Molecular consequence: frameshift variant.
Genome position (GRCh38, 1-based): chr1:216,292,176-216,292,179, TGTA duplicated on the plus strand (TACA on the coding strand, the reverse complement: USH2A is on the minus strand). VCF-style (leftmost placement, unchanged base first): chr1-216292175-C-CTGTA. GRCh37 (hg19) VCF-style: chr1-216465517-C-CTGTA.
Other names: c.1836_1839dup, p.Gly614fs (NM_007123.6); short protein forms G614fs.
Identifiers: ClinVar variation 1075936 (VCV001075936.10), dbSNP rs2102610607, ClinGen allele CA2499214527.